The following is an entry in ClinVar:

ClinVar aggregate classification (germline): Uncertain significance. Review status: criteria provided, single submitter (1 of 4 stars). 2 submissions from 2 submitters: Uncertain significance (1). 1 of the submissions does not count toward it. Last evaluated 2019-12-05.

Conditions:
ACSL4-related disorder. Also called: ACSL4-related condition.

Submissions (2):

Blueprint Genetics
Classification: Uncertain significance. Last evaluated: 2019-12-05. Review status: criteria provided, single submitter. Criteria: ACMG Guidelines, 2015. Collection method: clinical testing. Allele origin: germline.

PreventionGenetics, part of Exact Sciences
Classification: Uncertain significance for ACSL4-related condition. Last evaluated: 2023-10-19. Review status: no assertion criteria provided. Collection method: clinical testing. Allele origin: germline. Not counted in ClinVar's aggregate classification.
Comment: The ACSL4 c.2014C>T variant is predicted to result in premature protein termination (p.Arg672*). To our knowledge, this variant has not been reported in the literature or in a large population database, indicating this variant is rare. At this time, the clinical significance of this variant is uncertain due to the absence of conclusive functional and genetic evidence.

NM_001318510.2(ACSL4):c.1891C>T (p.Arg631Ter)

Gene: ACSL4 (acyl-CoA synthetase long chain family member 4; minus strand). Cytogenetic location: Xq23.
Variant type: single nucleotide variant.
Coding change: c.1891C>T on transcript NM_001318510.2 (MANE Select); coding-DNA position 1891, C replaced by T.
Protein change: p.Arg631Ter; replaces arginine 631 with a stop codon.
Molecular consequence: nonsense.
Genome position (GRCh38, 1-based): chrX:109,644,151, G>A on the plus strand (C>T on the coding strand, the complement: ACSL4 is on the minus strand). VCF-style: chrX-109644151-G-A. GRCh37 (hg19) VCF-style: chrX-108887380-G-A.
Other names: c.2014C>T, p.Arg672Ter (NM_001318509.2, NM_022977.3); c.1891C>T, p.Arg631Ter (NM_004458.3); short protein forms R631*, R672*.
Identifiers: ClinVar variation 3040810 (VCV003040810.3), dbSNP rs1934534098, ClinGen allele CA414215279.